The following is an entry in ClinVar:

NM_024675.4(PALB2):c.2763G>C (p.Gln921His)

Gene: PALB2 (partner and localizer of BRCA2; minus strand). Cytogenetic location: 16p12.2.
Variant type: single nucleotide variant.
Coding change: c.2763G>C on transcript NM_024675.4 (MANE Select); coding-DNA position 2763, G replaced by C.
Protein change: p.Gln921His; replaces glutamine 921 with histidine.
Molecular consequence: missense variant.
Genome position (GRCh38, 1-based): chr16:23,624,080, C>G on the plus strand (G>C on the coding strand, the complement: PALB2 is on the minus strand). VCF-style: chr16-23624080-C-G. GRCh37 (hg19) VCF-style: chr16-23635401-C-G.
Other names: short protein forms Q921H.
Identifiers: ClinVar variation 216748 (VCV000216748.10), dbSNP rs372931676, ClinGen allele CA338033.

ClinVar aggregate classification (germline): Uncertain significance. Review status: criteria provided, multiple submitters, no conflicts (2 of 4 stars). 2 submissions from 2 submitters: Uncertain significance (2). Last evaluated 2025-11-26.

Conditions:
Hereditary cancer-predisposing syndrome. Also called: Hereditary Cancer Syndrome; Hereditary neoplastic syndrome; Neoplastic Syndromes, Hereditary; Tumor predisposition. Identifiers: Orphanet 140162, MedGen C0027672, MeSH D009386, MONDO:0015356.
Familial cancer of breast. Also called: Hereditary breast cancer; BREAST CANCER, FAMILIAL; hereditary breast carcinoma. Identifiers: Orphanet 227535, MedGen C0346153, MONDO:0016419, OMIM 114480. Disease mechanism: loss of function.

Allele frequency attached by ClinVar (database versions not stated): gnomAD exomes below 0.00001.

Submissions (2):

Ambry Genetics
Classification: Uncertain significance for Hereditary cancer-predisposing syndrome. Last evaluated: 2025-11-26. Review status: criteria provided, single submitter. Criteria: Ambry Variant Classification Scheme 2023. Collection method: clinical testing. Allele origin: germline.
Comment: The p.Q921H variant (also known as c.2763G>C), located in coding exon 8 of the PALB2 gene, results from a G to C substitution at nucleotide position 2763. The glutamine at codon 921 is replaced by histidine, an amino acid with highly similar properties. This amino acid position is highly conserved in available vertebrate species. In addition, this alteration is predicted to be tolerated by in silico analysis. Based on the available evidence, the clinical significance of this variant remains unclear.

Labcorp Genetics (formerly Invitae), Labcorp
Classification: Uncertain significance for Familial cancer of breast. Last evaluated: 2022-05-26. Review status: criteria provided, single submitter. Criteria: Invitae Variant Classification Sherloc (09022015). Collection method: clinical testing. Allele origin: germline.
Comment: In summary, the available evidence is currently insufficient to determine the role of this variant in disease. Therefore, it has been classified as a Variant of Uncertain Significance. Algorithms developed to predict the effect of missense changes on protein structure and function are either unavailable or do not agree on the potential impact of this missense change (SIFT: "Deleterious"; PolyPhen-2: "Probably Damaging"; Align-GVGD: "Class C0"). ClinVar contains an entry for this variant (Variation ID: 216748). This variant has not been reported in the literature in individuals affected with PALB2-related conditions. This variant is not present in population databases (gnomAD no frequency). This sequence change replaces glutamine, which is neutral and polar, with histidine, which is basic and polar, at codon 921 of the PALB2 protein (p.Gln921His).